The following is an entry in ClinVar:

NM_001378457.1(DMXL2):c.88-9_88-3dup

Gene: DMXL2 (Dmx like 2; minus strand). Cytogenetic location: 15q21.2.
Variant type: Duplication.
Coding change: c.88-9_88-3dup on transcript NM_001378457.1 (MANE Select); 9 bases into the intron before coding-DNA position 88 through 3 bases into the intron before coding-DNA position 88, 7 bases duplicated (TTTTTTT; older notation c.88-9_88-3dupTTTTTTT).
Molecular consequence: intron variant.
Genome position (GRCh38, 1-based): chr15:51,576,184-51,576,190, AAAAAAA duplicated on the plus strand (TTTTTTT on the coding strand, the reverse complement: DMXL2 is on the minus strand); duplicating any 7 consecutive bases within chr15:51,576,184-51,576,203 gives the same sequence; the c. name uses the placement nearest the transcript's 3' end. VCF-style (leftmost placement, unchanged base first): chr15-51576183-T-TAAAAAAA. GRCh37 (hg19) VCF-style: chr15-51868380-T-TAAAAAAA.
Other names: p.?; c.88-9_88-3dup (NM_001174116.2, NM_001378460.1, NM_001174117.3 and 8 more transcripts).
Identifiers: ClinVar variation 1581592 (VCV001581592.10), dbSNP rs3078066, ClinGen allele CA490511880.

ClinVar aggregate classification (germline): Likely benign. Review status: criteria provided, multiple submitters, no conflicts (2 of 4 stars). 3 submissions from 3 submitters: Likely benign (3). Last evaluated 2026-01-12.

Submissions (3):

Labcorp Genetics (formerly Invitae), Labcorp
Classification: Likely benign. Last evaluated: 2026-01-12. Review status: criteria provided, single submitter. Criteria: Invitae Variant Classification Sherloc (09022015). Collection method: clinical testing. Allele origin: germline.

Mayo Clinic Laboratories, Mayo Clinic
Classification: Likely benign. Last evaluated: 2024-12-27. Review status: criteria provided, single submitter. Criteria: ACMG Guidelines, 2015. Collection method: clinical testing. Allele origin: germline. Observed: 4 variant alleles.
Comment: BP4, BP7

Blueprint Genetics
Classification: Likely benign. Last evaluated: 2024-11-27. Review status: criteria provided, single submitter. Criteria: ACMG Guidelines, 2015. Collection method: clinical testing. Allele origin: germline.